The following is an entry in ClinVar:

ClinVar aggregate classification (germline): Uncertain significance. Review status: criteria provided, multiple submitters, no conflicts (2 of 4 stars). 2 submissions from 2 submitters: Uncertain significance (2). Last evaluated 2023-04-04.

Conditions:
Autosomal recessive limb-girdle muscular dystrophy type 2J (LGMDR10). Also called: Limb-girdle muscular dystrophy, type 2J; MUSCULAR DYSTROPHY, LIMB-GIRDLE, AUTOSOMAL RECESSIVE 10. Identifiers: Orphanet 140922, MedGen C1837342, MONDO:0012127, OMIM 608807.
Dilated cardiomyopathy 1G (CMD1G). Identifiers: Orphanet 154, MedGen C1858763, MONDO:0011400, OMIM 604145.

Allele frequency attached by ClinVar (database versions not stated): gnomAD 0.00001; gnomAD exomes 0.00001; TOPMed 0.00001.
gnomAD v4.1: 13 of 1,613,260 alleles (0.00081%); highest among the groups gnomAD compares: Non-Finnish European, 0.001%; no homozygotes.

Submissions (2):

GeneDx
Classification: Uncertain significance. Last evaluated: 2023-04-04. Review status: criteria provided, single submitter. Criteria: GeneDx Variant Classification Process June 2021. Collection method: clinical testing. Allele origin: germline. Affected: yes.
Comment: Not observed at significant frequency in large population cohorts (gnomAD); In silico analysis suggests this variant may impact gene splicing. In the absence of RNA/functional studies, the actual effect of this sequence change is unknown.; Has not been previously published as pathogenic or benign to our knowledge

Labcorp Genetics (formerly Invitae), Labcorp
Classification: Uncertain significance for Dilated cardiomyopathy 1G; Autosomal recessive limb-girdle muscular dystrophy type 2J. Last evaluated: 2015-12-16. Review status: criteria provided, single submitter. Criteria: Invitae Variant Classification Sherloc (09022015). Collection method: clinical testing. Allele origin: germline.

NM_001267550.2(TTN):c.20692A>G (p.Ser6898Gly)

Gene: TTN (titin; minus strand). Cytogenetic location: 2q31.2.
Variant type: single nucleotide variant.
Coding change: c.20692A>G on transcript NM_001267550.2 (MANE Select); coding-DNA position 20692, A replaced by G.
Protein change: p.Ser6898Gly; replaces serine 6898 with glycine.
Molecular consequence: missense variant. On other transcripts: intron variant (3).
Genome position (GRCh38, 1-based): chr2:178,725,512, T>C on the plus strand (A>G on the coding strand, the complement: TTN is on the minus strand). VCF-style: chr2-178725512-T-C. GRCh37 (hg19) VCF-style: chr2-179590239-T-C.
Other names: c.19741A>G, p.Ser6581Gly (NM_001256850.1); c.16960A>G, p.Ser5654Gly (NM_133378.4); c.13282+12570A>G (NM_003319.4); c.13858+12570A>G (NM_133437.4); c.13657+12570A>G (NM_133432.3); c.20692A>G (NM_001267550.1); short protein forms S6898G, S5654G, S6581G.
Identifiers: ClinVar variation 238717 (VCV000238717.4), dbSNP rs878854291, ClinGen allele CA10581892.
Genomic context (GRCh38, chr2:178,725,512, plus strand): 5'-CTGCTTTTGCAAACTGTAGAGTTGCAACATTTTCCACAAATGTAATCCTGATGTTTTCAC[T>C]TTCTCTAATCACTTCTTCCTTCTCTTTAAGCCACTGGACAAAAATAGGCTGGGCGCCTTC-3'
Protein context (NP_001254479.2, residues 6888-6908): LKEKEEVIRE[Ser6898Gly]ENIRITFVEN